The following is an entry in ClinVar:

NM_001277115.2(DNAH11):c.7292G>T (p.Ser2431Ile)

Gene: DNAH11 (dynein axonemal heavy chain 11; plus strand). Cytogenetic location: 7p15.3.
Variant type: single nucleotide variant.
Coding change: c.7292G>T on transcript NM_001277115.2 (MANE Select); coding-DNA position 7292, G replaced by T.
Protein change: p.Ser2431Ile; replaces serine 2431 with isoleucine.
Molecular consequence: missense variant.
Genome position (GRCh38, 1-based): chr7:21,725,836, G>T. VCF-style: chr7-21725836-G-T. GRCh37 (hg19) VCF-style: chr7-21765454-G-T.
Other names: short protein forms S2431I.
Identifiers: ClinVar variation 359651 (VCV000359651.17), dbSNP rs185039462, ClinGen allele CA4181182.

ClinVar aggregate classification (germline): Conflicting classifications of pathogenicity. Review status: criteria provided, conflicting classifications (1 of 4 stars). 3 submissions from 3 submitters: Uncertain significance (1); Benign (1); Likely benign (1). Last evaluated 2026-04-21.

Conditions:
Primary ciliary dyskinesia. Also called: Ciliary dyskinesia. Identifiers: Orphanet 244, MedGen C0008780, MONDO:0016575, HP:0012265.

Allele frequency attached by ClinVar (database versions not stated): gnomAD 0.00006; 1000 Genomes Project 30x 0.00016; 1000 Genomes Project 0.00020; TOPMed 0.00007; gnomAD exomes 0.00012; ExAC 0.00010.
gnomAD v4.1: 54 of 1,611,882 alleles (0.0034%); highest among the groups gnomAD compares: East Asian, 0.11%; no homozygotes.

Submissions (3):

GeneDx
Classification: Uncertain significance. Last evaluated: 2026-04-21. Review status: criteria provided, single submitter. Criteria: GeneDx Variant Classification Process June 2021. Collection method: clinical testing. Allele origin: germline.
Comment: Observed with another DNAH11 variant (p.(T3006M)), phase unknown, in a patient with bronchiectasis (PMID: 29997923); In silico analysis supports that this missense variant has a deleterious effect on protein structure/function; This variant is associated with the following publications: (PMID: 34133440, 32502479, 29997923, 34134972)

Labcorp Genetics (formerly Invitae), Labcorp
Classification: Benign for Primary ciliary dyskinesia. Last evaluated: 2024-10-25. Review status: criteria provided, single submitter. Criteria: Invitae Variant Classification Sherloc (09022015). Collection method: clinical testing. Allele origin: germline.

Blueprint Genetics
Classification: Likely benign. Last evaluated: 2023-09-26. Review status: criteria provided, single submitter. Criteria: ACMG Guidelines, 2015. Collection method: clinical testing. Allele origin: germline.